The following is an entry in ClinVar:

NM_012188.5(FOXI1):c.1014G>A (p.Ala338=)

Gene: FOXI1 (forkhead box I1; plus strand). Cytogenetic location: 5q35.1.
Variant type: single nucleotide variant.
Coding change: c.1014G>A on transcript NM_012188.5 (MANE Select); coding-DNA position 1014, G replaced by A.
Protein change: p.Ala338=; no amino-acid change (alanine 338 retained).
Molecular consequence: synonymous variant.
Genome position (GRCh38, 1-based): chr5:170,108,488, G>A. VCF-style: chr5-170108488-G-A. GRCh37 (hg19) VCF-style: chr5-169535492-G-A.
Other names: p.Ala338=; c.729G>A, p.Ala243= (NM_144769.4).
Identifiers: ClinVar variation 768050 (VCV000768050.21), dbSNP rs55685928, ClinGen allele CA3555155.

ClinVar aggregate classification (germline): Benign/Likely benign. Review status: criteria provided, multiple submitters, no conflicts (2 of 4 stars). 9 submissions from 9 submitters: Benign (4); Likely benign (2). 3 of the submissions do not count toward it. Last evaluated 2026-01-14.

Conditions:
Autosomal recessive nonsyndromic hearing loss 4 (DFNB4). Also called: DEAFNESS, AUTOSOMAL RECESSIVE 4, WITH ENLARGED VESTIBULAR AQUEDUCT, DIGENIC; NEUROSENSORY NONSYNDROMIC RECESSIVE DEAFNESS 4; FOXI1-Related Pendred Syndrome; KCNJ10-Related Pendred Syndrome; Nonsyndromic enlarged vestibular aqueduct (NSEVA); Deafness, autosomal recessive 4, with enlarged vestibular aqueduct. Identifiers: Orphanet 90636, MedGen C3538946, MONDO:0010933, OMIM 600791.
FOXI1-related disorder. Also called: FOXI1-related condition.

Allele frequency attached by ClinVar (database versions not stated): 1000 Genomes Project 0.00938; 1000 Genomes Project 30x 0.01031; gnomAD exomes 0.00230 and 0.00384; gnomAD 0.00841 and 0.00795; ExAC 0.00425; ESP Exome Variant Server 0.00746; TOPMed 0.00833.

Submissions (9):

Labcorp Genetics (formerly Invitae), Labcorp
Classification: Benign. Last evaluated: 2026-01-14. Review status: criteria provided, single submitter. Criteria: Invitae Variant Classification Sherloc (09022015). Collection method: clinical testing. Allele origin: germline.

Mayo Clinic Laboratories, Mayo Clinic
Classification: Benign. Last evaluated: 2023-10-16. Review status: criteria provided, single submitter. Criteria: ACMG Guidelines, 2015. Collection method: clinical testing. Allele origin: germline. Observed: 5 variant alleles.
Comment: BS1, BS2, BP4, BP7

GeneDx
Classification: Likely benign. Last evaluated: 2021-05-07. Review status: criteria provided, single submitter. Criteria: GeneDx Variant Classification Process June 2021. Collection method: clinical testing. Allele origin: germline. Affected: yes.

Athena Diagnostics
Classification: Benign. Last evaluated: 2019-06-04. Review status: criteria provided, single submitter. Criteria: Athena Diagnostics Criteria. Collection method: clinical testing. Allele origin: germline.

Illumina Laboratory Services, Illumina
Classification: Benign for Autosomal recessive nonsyndromic hearing loss 4. Last evaluated: 2017-04-27. Review status: criteria provided, single submitter. Criteria: ICSL Variant Classification Criteria 13 December 2019. Collection method: clinical testing. Allele origin: germline.
Comment: This variant was observed as part of a predisposition screen in an ostensibly healthy population. A literature search was performed for the gene, cDNA change, and amino acid change (where applicable). Publications were found based on this search. The evidence from the literature, in combination with allele frequency data from public databases where available, was sufficient to rule this variant out of causing disease. Therefore, this variant is classified as benign.

Breakthrough Genomics
Classification: Likely benign. Review status: criteria provided, single submitter. Criteria: ACMG Guidelines, 2015. Collection method: not provided. Allele origin: germline. Inheritance: Autosomal recessive inheritance. Affected: yes.

PreventionGenetics, part of Exact Sciences
Classification: Benign for FOXI1-related condition. Last evaluated: 2019-05-13. Review status: no assertion criteria provided. Collection method: clinical testing. Allele origin: germline. Not counted in ClinVar's aggregate classification.
Comment: This variant is classified as benign based on ACMG/AMP sequence variant interpretation guidelines (Richards et al. 2015 PMID: 25741868, with internal and published modifications).

Clinical Genetics DNA and cytogenetics Diagnostics Lab, Erasmus MC, Erasmus Medical Center
Classification: Benign. Review status: no assertion criteria provided. Collection method: clinical testing. Allele origin: germline. Affected: yes. Study: VKGL Data-share Consensus. Not counted in ClinVar's aggregate classification.

Genome Diagnostics Laboratory, University Medical Center Utrecht
Classification: Likely benign. Review status: no assertion criteria provided. Collection method: clinical testing. Allele origin: germline. Affected: yes. Study: VKGL Data-share Consensus. Not counted in ClinVar's aggregate classification.

Literature cited by the submitters: PubMed 20809947 (cited by Athena Diagnostics and Illumina Laboratory Services, Illumina).